The following is an entry in ClinVar:

NM_017534.6(MYH2):c.1114C>T (p.Arg372Cys)

Genes: MYH2 (myosin heavy chain 2; minus strand), MYHAS (myosin heavy chain gene cluster antisense RNA; plus strand). Cytogenetic location: 17p13.1.
Variant type: single nucleotide variant.
Coding change: c.1114C>T on transcript NM_017534.6 (MANE Select); coding-DNA position 1114, C replaced by T.
Protein change: p.Arg372Cys; replaces arginine 372 with cysteine.
Molecular consequence: missense variant.
Genome position (GRCh38, 1-based): chr17:10,539,961, G>A on the plus strand (C>T on the coding strand, the complement: MYH2 is on the minus strand). VCF-style: chr17-10539961-G-A. GRCh37 (hg19) VCF-style: chr17-10443278-G-A.
Other names: c.1114C>T, p.Arg372Cys (NM_001100112.2); short protein forms R372C.
Identifiers: ClinVar variation 2902132 (VCV002902132.4), dbSNP rs763200709, ClinGen allele CA398162588.

ClinVar aggregate classification (germline): Uncertain significance. Review status: criteria provided, multiple submitters, no conflicts (2 of 4 stars). 2 submissions from 2 submitters: Uncertain significance (2). Last evaluated 2026-05-22.

Conditions:
Proximal muscle weakness. Identifiers: MedGen C0221629, HP:0003701.
Myopathy, proximal, and ophthalmoplegia (CMYO6). Also called: MYOPATHY WITH CONGENITAL JOINT CONTRACTURES, OPHTHALMOPLEGIA, AND RIMMED VACUOLES; INCLUSION BODY MYOPATHY 3, AUTOSOMAL DOMINANT; CONGENITAL MYOPATHY 6 WITH OPHTHALMOPLEGIA. Identifiers: Orphanet 363677, Orphanet 79091, MedGen C1854106, MONDO:0011577, OMIM 605637.

gnomAD v4.1: 6 of 1,613,770 alleles (0.00037%); highest among the groups gnomAD compares: East Asian, 0.0022%; no homozygotes.

Submissions (2):

Clinical Genetics Laboratory, Skane University Hospital Lund
Classification: Uncertain significance for Proximal muscle weakness. Last evaluated: 2026-05-22. Review status: criteria provided, single submitter. Criteria: ACMG Guidelines, 2015. Collection method: clinical testing. Allele origin: germline. Affected: yes.
Comment: ACMG criteria applied: PM2, PP3.

Labcorp Genetics (formerly Invitae), Labcorp
Classification: Uncertain significance for Myopathy, proximal, and ophthalmoplegia. Last evaluated: 2023-09-20. Review status: criteria provided, single submitter. Criteria: Invitae Variant Classification Sherloc (09022015). Collection method: clinical testing. Allele origin: germline.
Comment: Advanced modeling of protein sequence and biophysical properties (such as structural, functional, and spatial information, amino acid conservation, physicochemical variation, residue mobility, and thermodynamic stability) performed at Invitae indicates that this missense variant is expected to disrupt MYH2 protein function. This variant has not been reported in the literature in individuals affected with MYH2-related conditions. This variant is not present in population databases (gnomAD no frequency). This sequence change replaces arginine, which is basic and polar, with cysteine, which is neutral and slightly polar, at codon 372 of the MYH2 protein (p.Arg372Cys). In summary, the available evidence is currently insufficient to determine the role of this variant in disease. Therefore, it has been classified as a Variant of Uncertain Significance.